The following is an entry in ClinVar:

ClinVar aggregate classification (germline): Pathogenic (1 of 4 stars; one submission).

Conditions:
Myofibrillar myopathy 5. Also called: Filaminopathy (type); FILAMINOPATHY, AUTOSOMAL DOMINANT. Identifiers: Orphanet 171445, MedGen C1836050, MONDO:0012289, OMIM 609524.
Hypertrophic cardiomyopathy 26. Also called: Cardiomyopathy, familial hypertrophic, 26. Identifiers: Orphanet 75249, MedGen C4310749, MONDO:0014883, OMIM 617047.
Distal myopathy with posterior leg and anterior hand involvement. Also called: WILLIAMS DISTAL MYOPATHY. Identifiers: Orphanet 63273, MedGen C3279722, MONDO:0013550, OMIM 614065.

Submission:

Labcorp Genetics (formerly Invitae), Labcorp
Classification: Pathogenic for Distal myopathy with posterior leg and anterior hand involvement; Myofibrillar myopathy 5; Hypertrophic cardiomyopathy 26. Last evaluated: 2024-02-23. Review status: criteria provided, single submitter. Criteria: Invitae Variant Classification Sherloc (09022015). Collection method: clinical testing. Allele origin: germline.
Comment: This sequence change creates a premature translational stop signal (p.Tyr1028*) in the FLNC gene. It is expected to result in an absent or disrupted protein product. Loss-of-function variants in FLNC are known to be pathogenic (PMID: 27908349). This variant is not present in population databases (gnomAD no frequency). This variant has not been reported in the literature in individuals affected with FLNC-related conditions. For these reasons, this variant has been classified as Pathogenic.

Literature cited by the submitters: PubMed 27908349.

NM_001458.5(FLNC):c.3084del (p.Arg1027_Tyr1028insTer)

Gene: FLNC (filamin C; plus strand). Cytogenetic location: 7q32.1.
Variant type: Deletion.
Coding change: c.3084del on transcript NM_001458.5 (MANE Select); coding-DNA position 3084, one base deleted (C; older notation c.3084delC).
Protein change: p.Arg1027_Tyr1028insTer.
Molecular consequence: nonsense.
Genome position (GRCh38, 1-based): chr7:128,844,158, C deleted. VCF-style (leftmost placement, unchanged base first): chr7-128844157-AC-A. GRCh37 (hg19) VCF-style: chr7-128484211-AC-A.
Other names: c.3084del, p.Arg1027_Tyr1028insTer (NM_001127487.2).
Identifiers: ClinVar variation 2944776 (VCV002944776.3), dbSNP rs2536635707, ClinGen allele CA2740097571.
Genomic context (GRCh38, chr7:128,844,157, plus strand): 5'-GCCGGCCCATCCCCTGCAAGCTGGAGCCAGGCGGTGGAGCGGAAGCCCAGGCTGTGCGCT[AC>A]ATGCCCCCGGAGGAGGGGCCCTACAAGGTGGATATCACCTACGATGGTCACCCGGTGCCT-3'